The following is an entry in ClinVar:

ClinVar aggregate classification (germline): Uncertain significance (1 of 4 stars; one submission).

Conditions:
FBN3-related disorder. Also called: FBN3-related condition.

Submission:

PreventionGenetics, part of Exact Sciences
Classification: Uncertain significance for FBN3-related condition. Last evaluated: 2026-07-28. Review status: criteria provided, single submitter. Criteria: ACMG Guidelines, 2015. Collection method: clinical testing. Allele origin: germline.
Comment: The FBN3 c.8074C>T variant is predicted to result in the amino acid substitution p.His2692Tyr. To our knowledge, this variant has not been reported in the literature or in a large population database (gnomAD), indicating this variant is rare. At this time, the clinical significance of this variant is uncertain due to the absence of conclusive functional and genetic evidence.

NM_032447.5(FBN3):c.8074C>T (p.His2692Tyr)

Gene: FBN3 (fibrillin 3; minus strand). Cytogenetic location: 19p13.2.
Variant type: single nucleotide variant.
Coding change: c.8074C>T on transcript NM_032447.5 (MANE Select); coding-DNA position 8074, C replaced by T.
Protein change: p.His2692Tyr; replaces histidine 2692 with tyrosine.
Molecular consequence: missense variant.
Genome position (GRCh38, 1-based): chr19:8,072,062, G>A on the plus strand (C>T on the coding strand, the complement: FBN3 is on the minus strand). VCF-style: chr19-8072062-G-A. GRCh37 (hg19) VCF-style: chr19-8136946-G-A.
Other names: c.8074C>T, p.His2692Tyr (NM_001321431.2); short protein forms H2692Y.
Identifiers: ClinVar variation 4982568 (VCV004982568.1).